The following is an entry in ClinVar:

NM_000256.3(MYBPC3):c.1297G>A (p.Ala433Thr)

Gene: MYBPC3 (myosin binding protein C3; minus strand). Cytogenetic location: 11p11.2.
Variant type: single nucleotide variant.
Coding change: c.1297G>A on transcript NM_000256.3 (MANE Select); coding-DNA position 1297, G replaced by A.
Protein change: p.Ala433Thr; replaces alanine 433 with threonine.
Molecular consequence: missense variant.
Genome position (GRCh38, 1-based): chr11:47,343,075, C>T on the plus strand (G>A on the coding strand, the complement: MYBPC3 is on the minus strand). VCF-style: chr11-47343075-C-T. GRCh37 (hg19) VCF-style: chr11-47364626-C-T.
Other names: short protein forms A433T.
Identifiers: ClinVar variation 984955 (VCV000984955.9), dbSNP rs2095890714, ClinGen allele CA380327226.

ClinVar aggregate classification (germline): Uncertain significance. Review status: criteria provided, multiple submitters, no conflicts (2 of 4 stars). 2 submissions from 2 submitters: Uncertain significance (2). Last evaluated 2023-10-11.

Conditions:
Hypertrophic cardiomyopathy. Also called: HYPERTROPHIC MYOCARDIOPATHY. Identifiers: Orphanet 217569, MedGen C0007194, MeSH D002312, MONDO:0005045, HP:0001639.

Allele frequency attached by ClinVar (database versions not stated): gnomAD exomes below 0.00001; TOPMed below 0.00001; gnomAD 0.00001.

Submissions (2):

Labcorp Genetics (formerly Invitae), Labcorp
Classification: Uncertain significance for Hypertrophic cardiomyopathy. Last evaluated: 2023-10-11. Review status: criteria provided, single submitter. Criteria: Invitae Variant Classification Sherloc (09022015). Collection method: clinical testing. Allele origin: germline.
Comment: This sequence change replaces alanine, which is neutral and non-polar, with threonine, which is neutral and polar, at codon 433 of the MYBPC3 protein (p.Ala433Thr). This variant is not present in population databases (gnomAD no frequency). This variant has not been reported in the literature in individuals affected with MYBPC3-related conditions. ClinVar contains an entry for this variant (Variation ID: 984955). An algorithm developed to predict the effect of missense changes on protein structure and function (PolyPhen-2) suggests that this variant is likely to be disruptive. In summary, the available evidence is currently insufficient to determine the role of this variant in disease. Therefore, it has been classified as a Variant of Uncertain Significance.

Petrovsky National Research Centre of Surgery, The Federal Agency for Scientific Organizations
Classification: Uncertain significance. Last evaluated: 2020-11-17. Review status: criteria provided, single submitter. Criteria: ACMG Guidelines, 2015. Collection method: clinical testing. Allele origin: unknown. Inheritance: Autosomal dominant inheritance. Affected: yes. Observed: 1 heterozygote.
Comment: To our knowledge, the p.A433T variant is absent in large databases. According to online in silico analysis (PolyPhen2, SIFT, MutationTaster), the p.A433T variant is probably pathogenic. However, in the absence of functional studies and family screening, we could only classify the p.A433T variant as the variant with uncertain clinical significance.